The following is an entry in ClinVar:

NM_000535.7(PMS2):c.1998dup (p.Glu667fs)

Gene: PMS2 (PMS1 homolog 2, mismatch repair system component; minus strand). Cytogenetic location: 7p22.1.
Variant type: Duplication.
Coding change: c.1998dup on transcript NM_000535.7 (MANE Select); coding-DNA position 1998, one base duplicated (A; older notation c.1998dupA).
Protein change: p.Glu667fs; shifts the reading frame from glutamic acid 667.
Molecular consequence: frameshift variant. On other transcripts: non-coding transcript variant (1), intron variant (1).
Genome position (GRCh38, 1-based): chr7:5,986,767, T duplicated on the plus strand (A on the coding strand, the reverse complement: PMS2 is on the minus strand); the first of 4 consecutive T bases (chr7:5,986,767-5,986,770); duplicating any one gives the same sequence. VCF-style (leftmost placement, unchanged base first): chr7-5986766-C-CT. GRCh37 (hg19) VCF-style: chr7-6026397-C-CT.
Other names: c.1593dup, p.Glu532fs (NM_001322003.2, NM_001322004.2, NM_001322005.2 and 16 more transcripts); c.1842dup, p.Glu615fs (NM_001322006.2, NM_001406870.1); c.1680dup, p.Glu561fs (NM_001322007.2, NM_001322008.2, NM_001406876.1 and 2 more transcripts); c.1437dup, p.Glu480fs (NM_001322010.2, NM_001406906.1, NM_001406907.1); c.1065dup, p.Glu356fs (NM_001322011.2, NM_001322012.2); c.1425dup, p.Glu476fs (NM_001322013.2, NM_001406909.1); c.1998dup, p.Glu667fs (NM_001322014.2, NM_001406871.1, NM_001406872.1); c.1689dup, p.Glu564fs (NM_001322015.2, NM_001406875.1, NM_001406877.1 and 5 more transcripts); and 13 more; short protein forms E480fs, E496fs, E509fs, E555fs, E559fs, E667fs, E356fs, E476fs.
Identifiers: ClinVar variation 3572135 (VCV003572135.1).

ClinVar aggregate classification (germline): Likely pathogenic (1 of 4 stars; one submission).

Submission:

Quest Diagnostics Nichols Institute San Juan Capistrano
Classification: Likely pathogenic. Last evaluated: 2024-07-05. Review status: criteria provided, single submitter. Criteria: Quest Diagnostics criteria. Collection method: clinical testing. Allele origin: unknown.
Comment: The PMS2 c.1998dup (p.Glu667Argfs*4) variant alters the translational reading frame of the PMS2 mRNA and is predicted to cause the premature termination of PMS2 protein synthesis. This variant has not been reported in individuals with PMS2-related conditions in the published literature. This variant has not been reported in large, multi-ethnic general populations (Genome Aggregation Database). Based on the available information, this variant is classified as likely pathogenic.